The following is an entry in ClinVar:

ClinVar aggregate classification (germline): Uncertain significance (1 of 4 stars; one submission).

Allele frequency attached by ClinVar (database versions not stated): 1000 Genomes Project 30x 0.00016.
gnomAD v4.1: 82 of 765,246 alleles (0.011%); highest among the groups gnomAD compares: Non-Finnish European, 0.014%; no homozygotes.

Submission:

Labcorp Genetics (formerly Invitae), Labcorp
Classification: Uncertain significance. Last evaluated: 2025-07-30. Review status: criteria provided, single submitter. Criteria: Invitae Variant Classification Sherloc (09022015). Collection method: clinical testing. Allele origin: germline.
Comment: This variant occurs in the SNORD118 gene, which encodes an RNA molecule that does not result in a protein product. This variant is present in population databases (rs9893248, gnomAD 0.02%). This variant has not been reported in the literature in individuals affected with SNORD118-related conditions. ClinVar contains an entry for this variant (Variation ID: 1523312). Experimental studies and prediction algorithms are not available or were not evaluated, and the functional significance of this variant is currently unknown. In summary, the available evidence is currently insufficient to determine the role of this variant in disease. Therefore, it has been classified as a Variant of Uncertain Significance.

NR_033294.2(SNORD118):n.90C>G

Genes: TMEM107 (transmembrane protein 107; minus strand), SNORD118 (small nucleolar RNA, C/D box 118; minus strand). Cytogenetic location: 17p13.1.
Variant type: single nucleotide variant.
Molecular consequence: non-coding transcript variant (on NR_033294.2). On other transcripts: 3 prime UTR variant (5).
Genome position: GRCh38 VCF-style: chr17-8173499-G-C. GRCh37 (hg19) VCF-style: chr17-8076817-G-C.
Other names: c.*704C>G (NM_001351278.2, NM_001351279.2, NM_001351280.2 and 2 more transcripts).
Identifiers: ClinVar variation 1523312 (VCV001523312.6), dbSNP rs9893248, ClinGen allele CA8370651.